The following is an entry in ClinVar:

ClinVar aggregate classification (germline): Uncertain significance (1 of 4 stars; one submission).

Conditions:
Cardiovascular phenotype. Identifiers: MedGen CN230736.

Allele frequency attached by ClinVar (database versions not stated): gnomAD exomes below 0.00001.
gnomAD v4.1: 1 of 1,606,734 alleles (0.000062%); highest among the groups gnomAD compares: Non-Finnish European, 0.000085%; no homozygotes.

Submission:

Ambry Genetics
Classification: Uncertain significance for Cardiovascular phenotype. Last evaluated: 2022-10-30. Review status: criteria provided, single submitter. Criteria: Ambry Variant Classification Scheme 2023. Collection method: clinical testing. Allele origin: germline.
Comment: The p.L150P variant (also known as c.449T>C), located in coding exon 5 of the ANK2 gene, results from a T to C substitution at nucleotide position 449. The leucine at codon 150 is replaced by proline, an amino acid with similar properties. This amino acid position is conserved. In addition, this alteration is predicted to be deleterious by in silico analysis. Since supporting evidence is limited at this time, the clinical significance of this alteration remains unclear.

NM_001148.6(ANK2):c.449T>C (p.Leu150Pro)

Gene: ANK2 (ankyrin 2; plus strand). Cytogenetic location: 4q26.
Variant type: single nucleotide variant.
Coding change: c.449T>C on transcript NM_001148.6 (MANE Select); coding-DNA position 449, T replaced by C.
Protein change: p.Leu150Pro; replaces leucine 150 with proline.
Molecular consequence: missense variant.
Genome position (GRCh38, 1-based): chr4:113,232,225, T>C. VCF-style: chr4-113232225-T-C. GRCh37 (hg19) VCF-style: chr4-114153381-T-C.
Other names: c.449T>C, p.Leu150Pro (NM_020977.5, NM_001354225.2, NM_001354228.2 and 9 more transcripts); c.386T>C, p.Leu129Pro (NM_001127493.3, NM_001354239.2, NM_001354243.2 and 33 more transcripts); c.494T>C, p.Leu165Pro (NM_001354230.2, NM_001354231.2, NM_001354237.2 and 5 more transcripts); c.431T>C, p.Leu144Pro (NM_001354261.2, NM_001386147.1, NM_001386160.1); c.437T>C, p.Leu146Pro (NM_001354269.3, NM_001386148.2, NM_001386186.2 and 1 more transcripts); c.500T>C, p.Leu167Pro (NM_001386174.1, NM_001386175.1); short protein forms L146P, L167P, L144P, L150P, L165P, L129P.
Identifiers: ClinVar variation 1741025 (VCV001741025.2), dbSNP rs2489742304, ClinGen allele CA357914472.